The following is an entry in ClinVar:

ClinVar aggregate classification (germline): Uncertain significance (1 of 4 stars; one submission).

Conditions:
Hereditary cancer-predisposing syndrome. Also called: Neoplastic Syndromes, Hereditary; Hereditary Cancer Syndrome; Tumor predisposition; Hereditary neoplastic syndrome. Identifiers: Orphanet 140162, MedGen C0027672, MeSH D009386, MONDO:0015356.

Allele frequency attached by ClinVar (database versions not stated): gnomAD 0.00001 and below 0.00001.
gnomAD v4.1: 1 of 1,613,328 alleles (0.000062%); highest among the groups gnomAD compares: South Asian, 0.0011%; no homozygotes.

Submission:

Ambry Genetics
Classification: Uncertain significance for Hereditary cancer-predisposing syndrome. Last evaluated: 2024-06-27. Review status: criteria provided, single submitter. Criteria: Ambry Variant Classification Scheme 2023. Collection method: clinical testing. Allele origin: germline.
Comment: The p.P2328T variant (also known as c.6982C>A), located in coding exon 47 of the ATM gene, results from a C to A substitution at nucleotide position 6982. The proline at codon 2328 is replaced by threonine, an amino acid with highly similar properties. This amino acid position is not well conserved in available vertebrate species. In addition, this alteration is predicted to be tolerated by in silico analysis. Based on the available evidence, the clinical significance of this variant remains unclear.

NM_000051.4(ATM):c.6982C>A (p.Pro2328Thr)

Genes: ATM (ATM serine/threonine kinase; plus strand), C11orf65 (chromosome 11 open reading frame 65; minus strand). Cytogenetic location: 11q22.3.
Variant type: single nucleotide variant.
Coding change: c.6982C>A on transcript NM_000051.4 (MANE Select); coding-DNA position 6982, C replaced by A.
Protein change: p.Pro2328Thr; replaces proline 2328 with threonine.
Molecular consequence: missense variant. On other transcripts: intron variant (2).
Genome position (GRCh38, 1-based): chr11:108,327,651, C>A. VCF-style: chr11-108327651-C-A. GRCh37 (hg19) VCF-style: chr11-108198378-C-A.
Other names: c.6982C>A, p.Pro2328Thr (NM_001351834.2); c.641-18580G>T (NM_001330368.2); c.*38+7569G>T (NM_001351110.2); short protein forms P2328T.
Identifiers: ClinVar variation 479091 (VCV000479091.8), dbSNP rs769606850, ClinGen allele CA382557759.
Genomic context (GRCh38, chr11:108,327,651, plus strand): 5'-TGGGTACAGTCATGGTAATGCATTATATTTTAAGATTTTGCCTTTCTTATACAGAACAAT[C>A]CCAGCCTAAAACTTACATACACAGAATGTCTGAGGGTTTGTGGCAACTGGTTAGCAGAAA-3'
Protein context (NP_000042.3, residues 2318-2338): KLDASCAANN[Pro2328Thr]SLKLTYTECL